The following is an entry in ClinVar:

ClinVar aggregate classification (germline): Uncertain significance. Review status: criteria provided, multiple submitters, no conflicts (2 of 4 stars). 2 submissions from 2 submitters: Uncertain significance (2). Last evaluated 2019-07-30.

Conditions:
Leukocyte adhesion deficiency 1 (LAD1). Also called: LAD 1; Lymphocyte function-associated antigen 1 immunodeficiency; LFA 1 immunodeficiency; LEUKOCYTE ADHESION DEFICIENCY, TYPE I. Identifiers: Orphanet 2968, Orphanet 99842, MedGen C0398738, MONDO:0007293, OMIM 116920.

Allele frequency attached by ClinVar (database versions not stated): gnomAD exomes below 0.00001.
gnomAD v4.1: 1 of 1,613,428 alleles (0.000062%); highest among the groups gnomAD compares: African/African-American, 0.0013%; no homozygotes.

Submissions (2):

Labcorp Genetics (formerly Invitae), Labcorp
Classification: Uncertain significance for Leukocyte adhesion deficiency 1. Last evaluated: 2019-07-30. Review status: criteria provided, single submitter. Criteria: Invitae Variant Classification Sherloc (09022015). Collection method: clinical testing. Allele origin: germline.
Comment: This variant has not been reported in the literature in individuals with ITGB2-related conditions. Algorithms developed to predict the effect of missense changes on protein structure and function are either unavailable or do not agree on the potential impact of this missense change (SIFT: "Deleterious"; PolyPhen-2: "Benign"; Align-GVGD: "Class C45"). In summary, the available evidence is currently insufficient to determine the role of this variant in disease. Therefore, it has been classified as a Variant of Uncertain Significance. This variant is not present in population databases (ExAC no frequency). This sequence change replaces lysine with glutamine at codon 499 of the ITGB2 protein (p.Lys499Gln). The lysine residue is highly conserved and there is a small physicochemical difference between lysine and glutamine.

Illumina Laboratory Services, Illumina
Classification: Uncertain significance for Leukocyte adhesion deficiency 1. Last evaluated: 2018-01-13. Review status: criteria provided, single submitter. Criteria: ICSL Variant Classification Criteria 13 December 2019. Collection method: clinical testing. Allele origin: germline.

NM_000211.5(ITGB2):c.1495A>C (p.Lys499Gln)

Gene: ITGB2 (integrin subunit beta 2; minus strand). Cytogenetic location: 21q22.3.
Variant type: single nucleotide variant.
Coding change: c.1495A>C on transcript NM_000211.5 (MANE Select); coding-DNA position 1495, A replaced by C.
Protein change: p.Lys499Gln; replaces lysine 499 with glutamine.
Molecular consequence: missense variant.
Genome position (GRCh38, 1-based): chr21:44,890,140, T>G on the plus strand (A>C on the coding strand, the complement: ITGB2 is on the minus strand). VCF-style: chr21-44890140-T-G. GRCh37 (hg19) VCF-style: chr21-46310055-T-G.
Other names: c.1495A>C, p.Lys499Gln (NM_001127491.3); c.1288A>C, p.Lys430Gln (NM_001303238.2); short protein forms K430Q, K499Q.
Identifiers: ClinVar variation 897847 (VCV000897847.13), dbSNP rs2083765900, ClinGen allele CA410484612.